The following is an entry in ClinVar:

ClinVar aggregate classification (germline): Benign/Likely benign. Review status: criteria provided, multiple submitters, no conflicts (2 of 4 stars). 4 submissions from 4 submitters: Benign (1); Likely benign (3). Last evaluated 2026-09-01.

Allele frequency attached by ClinVar (database versions not stated): 1000 Genomes Project 0.00200; 1000 Genomes Project 30x 0.00203; ESP Exome Variant Server 0.00293; gnomAD 0.00438 and 0.00439; TOPMed 0.00476; gnomAD exomes 0.00507 and 0.00568; ExAC 0.01380.
gnomAD v4.1: 8,984 of 1,612,392 alleles (0.56%); highest among the groups gnomAD compares: Middle Eastern, 0.83%; 25 homozygotes.

Submissions (4):

CeGaT Center for Human Genetics Tuebingen
Classification: Likely benign. Last evaluated: 2026-09-01. Review status: criteria provided, single submitter. Criteria: CeGaT Center For Human Genetics Tuebingen Variant Classification Criteria Version 2. Collection method: clinical testing. Allele origin: germline. Affected: yes. Observed: 6 variant alleles.
Comment: ANAPC1: BP4, BP7, BS2

Women's Health and Genetics/Laboratory Corporation of America, LabCorp
Classification: Benign. Last evaluated: 2026-05-11. Review status: criteria provided, single submitter. Criteria: LabCorp Variant Classification Summary - May 2015. Collection method: clinical testing. Allele origin: germline.

Labcorp Genetics (formerly Invitae), Labcorp
Classification: Likely benign. Last evaluated: 2019-12-31. Review status: criteria provided, single submitter. Criteria: Invitae Variant Classification Sherloc (09022015). Collection method: clinical testing. Allele origin: germline.

Breakthrough Genomics
Classification: Likely benign. Review status: criteria provided, single submitter. Criteria: ACMG Guidelines, 2015. Collection method: not provided. Allele origin: germline. Inheritance: Autosomal recessive inheritance. Affected: yes.

NM_022662.4(ANAPC1):c.3162C>T (p.Tyr1054=)

Gene: ANAPC1 (anaphase promoting complex subunit 1; minus strand). Cytogenetic location: 2q13.
Variant type: single nucleotide variant.
Coding change: c.3162C>T on transcript NM_022662.4 (MANE Select); coding-DNA position 3162, C replaced by T.
Protein change: p.Tyr1054=; no amino-acid change (tyrosine 1054 retained).
Molecular consequence: synonymous variant.
Genome position (GRCh38, 1-based): chr2:111,821,283, G>A on the plus strand (C>T on the coding strand, the complement: ANAPC1 is on the minus strand). VCF-style: chr2-111821283-G-A. GRCh37 (hg19) VCF-style: chr2-112578860-G-A.
Identifiers: ClinVar variation 791467 (VCV000791467.36), dbSNP rs149905694, ClinGen allele CA1830012.